The following is an entry in ClinVar:

ClinVar aggregate classification (germline): Uncertain significance (1 of 4 stars; one submission).

Allele frequency attached by ClinVar (database versions not stated): TOPMed 0.00002; ExAC 0.00003; gnomAD 0.00003.

Submission:

Labcorp Genetics (formerly Invitae), Labcorp
Classification: Uncertain significance. Last evaluated: 2023-03-14. Review status: criteria provided, single submitter. Criteria: Invitae Variant Classification Sherloc (09022015). Collection method: clinical testing. Allele origin: germline.
Comment: In summary, the available evidence is currently insufficient to determine the role of this variant in disease. Therefore, it has been classified as a Variant of Uncertain Significance. An algorithm developed to predict the effect of missense changes on protein structure and function (PolyPhen-2) suggests that this variant is likely to be tolerated. This variant has not been reported in the literature in individuals affected with MRPL12-related conditions. This variant is present in population databases (rs757190601, gnomAD 0.009%). This sequence change replaces valine, which is neutral and non-polar, with methionine, which is neutral and non-polar, at codon 140 of the MRPL12 protein (p.Val140Met).

NM_002949.4(MRPL12):c.418G>A (p.Val140Met)

Gene: MRPL12 (mitochondrial ribosomal protein L12; plus strand). Cytogenetic location: 17q25.3.
Variant type: single nucleotide variant.
Coding change: c.418G>A on transcript NM_002949.4 (MANE Select); coding-DNA position 418, G replaced by A.
Protein change: p.Val140Met; replaces valine 140 with methionine.
Molecular consequence: missense variant.
Genome position (GRCh38, 1-based): chr17:81,706,978, G>A. VCF-style: chr17-81706978-G-A. GRCh37 (hg19) VCF-style: chr17-79674008-G-A.
Other names: short protein forms V140M.
Identifiers: ClinVar variation 2888534 (VCV002888534.3), dbSNP rs757190601, ClinGen allele CA8841388.